The following is an entry in ClinVar:

NM_000302.4(PLOD1):c.1070C>T (p.Ala357Val)

Gene: PLOD1 (procollagen-lysine,2-oxoglutarate 5-dioxygenase 1; plus strand). Cytogenetic location: 1p36.22.
Variant type: single nucleotide variant.
Coding change: c.1070C>T on transcript NM_000302.4 (MANE Select); coding-DNA position 1070, C replaced by T.
Protein change: p.Ala357Val; replaces alanine 357 with valine.
Molecular consequence: missense variant.
Genome position (GRCh38, 1-based): chr1:11,960,740, C>T. VCF-style: chr1-11960740-C-T. GRCh37 (hg19) VCF-style: chr1-12020797-C-T.
Other names: c.1070C>T (NM_000302.3); c.1211C>T, p.Ala404Val (NM_001316320.2); short protein forms A357V, A404V.
Identifiers: ClinVar variation 1497412 (VCV001497412.7), dbSNP rs763906693, ClinGen allele CA598252.

ClinVar aggregate classification (germline): Uncertain significance. Review status: criteria provided, multiple submitters, no conflicts (2 of 4 stars). 3 submissions from 3 submitters: Uncertain significance (3). Last evaluated 2026-04-07.

Conditions:
Ehlers-Danlos syndrome, kyphoscoliotic type 1 (EDSKSCL1). Also called: EHLERS-DANLOS SYNDROME, TYPE VIA; Ehlers-Danlos syndrome, hydroxylysine-deficient; EHLERS-DANLOS SYNDROME, OCULAR-SCOLIOTIC TYPE; PLOD1-Related Kyphoscoliotic Ehlers-Danlos Syndrome. Identifiers: Orphanet 1900, MedGen C0268342, MONDO:0016002, OMIM 225400. Disease mechanism: loss of function.
Familial thoracic aortic aneurysm and aortic dissection (TAAD). Also called: Thoracic aortic aneurysms and dissections. Identifiers: Orphanet 91387, MedGen C4707243, MONDO:0019625.

Allele frequency attached by ClinVar (database versions not stated): gnomAD 0.00002 and 0.00003; gnomAD exomes 0.00002 and 0.00005; TOPMed 0.00002; ExAC 0.00007.
gnomAD v4.1: 36 of 1,613,054 alleles (0.0022%); highest among the groups gnomAD compares: South Asian, 0.027%; no homozygotes.

Submissions (3):

Women's Health and Genetics/Laboratory Corporation of America, LabCorp
Classification: Uncertain significance. Last evaluated: 2026-04-07. Review status: criteria provided, single submitter. Criteria: LabCorp Variant Classification Summary - May 2015. Collection method: clinical testing. Allele origin: germline.

Ambry Genetics
Classification: Uncertain significance for Familial thoracic aortic aneurysm and aortic dissection. Last evaluated: 2024-01-29. Review status: criteria provided, single submitter. Criteria: Ambry Variant Classification Scheme 2023. Collection method: clinical testing. Allele origin: germline.

Labcorp Genetics (formerly Invitae), Labcorp
Classification: Uncertain significance for Ehlers-Danlos syndrome, kyphoscoliotic type 1. Last evaluated: 2022-06-09. Review status: criteria provided, single submitter. Criteria: Invitae Variant Classification Sherloc (09022015). Collection method: clinical testing. Allele origin: germline.
Comment: This sequence change replaces alanine, which is neutral and non-polar, with valine, which is neutral and non-polar, at codon 357 of the PLOD1 protein (p.Ala357Val). This variant is present in population databases (rs763906693, gnomAD 0.03%). This variant has not been reported in the literature in individuals affected with PLOD1-related conditions. Algorithms developed to predict the effect of missense changes on protein structure and function (SIFT, PolyPhen-2, Align-GVGD) all suggest that this variant is likely to be tolerated. Algorithms developed to predict the effect of sequence changes on RNA splicing suggest that this variant may create or strengthen a splice site. In summary, the available evidence is currently insufficient to determine the role of this variant in disease. Therefore, it has been classified as a Variant of Uncertain Significance.